The following is an entry in ClinVar:

NM_000053.4(ATP7B):c.3699+2T>C

Gene: ATP7B (ATPase copper transporting beta; minus strand). Cytogenetic location: 13q14.3.
Variant type: single nucleotide variant.
Coding change: c.3699+2T>C on transcript NM_000053.4 (MANE Select); the canonical splice donor site of the intron after coding-DNA position 3699, T replaced by C.
Molecular consequence: splice donor variant.
Genome position (GRCh38, 1-based): chr13:51,939,049, A>G on the plus strand (T>C on the coding strand, the complement: ATP7B is on the minus strand). VCF-style: chr13-51939049-A-G. GRCh37 (hg19) VCF-style: chr13-52513185-A-G.
Other names: c.3213+2T>C (NM_001406541.1, NM_001406542.1); c.3447+2T>C (NM_001406531.1, NM_001406532.1, NM_001330579.2); c.3465+2T>C (NM_001406527.1, NM_001406528.1, NM_001330578.2); c.3360+2T>C (NM_001406537.1); c.3555+2T>C (NM_001406521.1, NM_001406522.1, NM_001406520.1); c.3693+2T>C (NM_001406513.1); c.3699+2T>C (NM_001406511.1, NM_001406512.1, NM_001406526.1); c.3207+2T>C (NM_001406543.1); and 20 more.
Identifiers: ClinVar variation 3074412 (VCV003074412.1), dbSNP rs1322206611, ClinGen allele CA388023505.

ClinVar aggregate classification (germline): Likely pathogenic (1 of 4 stars; one submission).

Conditions:
Wilson disease (WND). Also called: Wilson's disease. Identifiers: Orphanet 905, MedGen C0019202, MONDO:0010200, OMIM 277900. Disease mechanism: loss of function.

Submission:

All of Us Research Program, National Institutes of Health
Classification: Likely pathogenic for Wilson disease. Last evaluated: 2023-11-02. Review status: criteria provided, single submitter. Criteria: ACMG Guidelines, 2015. Collection method: clinical testing. Allele origin: germline. Inheritance: Autosomal recessive inheritance. Observed: 1 variant allele, 1 heterozygote.
Comment: This variant causes a T to C nucleotide substitution at the +2 position of intron 17 of the ATP7B gene. Splice site prediction tools predict that this variant may have a significant impact on RNA splicing. Although this prediction has not been confirmed in published RNA studies, this variant is expected to result in an absent or disrupted protein product. This variant has not been reported in an individual affected with Wilson disease in the literature. This variant has been identified in 1/249562 chromosomes in the general population by the Genome Aggregation Database (gnomAD). Loss of ATP7B function is a known mechanism of disease. Based on the available evidence, this variant is classified as Likely Pathogenic.

This study involves interpretation of variants in research participants for the purpose of population health screening. Participant phenotype was not available at the time of variant classification. Additional details can be found in publication PMID: 35346344, PMCID: PMC8962531